The following is an entry in ClinVar:

ClinVar aggregate classification (germline): Uncertain significance (1 of 4 stars; one submission).

Conditions:
Cardiomyopathy (CMYO). Also called: Cardiomyopathies. Identifiers: Orphanet 167848, MedGen C0878544, MONDO:0004994, HP:0001638. Inheritance: Various modes of inheritance.

Submission:

Color Diagnostics, LLC DBA Color Health
Classification: Uncertain significance for Cardiomyopathy. Last evaluated: 2025-08-19. Review status: criteria provided, single submitter. Criteria: ACMG Guidelines, 2015. Collection method: clinical testing. Allele origin: germline.
Comment: This missense variant replaces glutamine with lysine at codon 969 of the MYBPC3 protein. Computational prediction suggests that this variant may not impact protein structure and function. To our knowledge, functional studies have not been reported for this variant. This variant has not been reported in individuals affected with MYBPC3-related disorders in the literature. This variant has not been identified in the general population by the Genome Aggregation Database (gnomAD). The available evidence is insufficient to determine the role of this variant in disease conclusively. Therefore, this variant is classified as a Variant of Uncertain Significance.

NM_000256.3(MYBPC3):c.2905C>A (p.Gln969Lys)

Gene: MYBPC3 (myosin binding protein C3; minus strand). Cytogenetic location: 11p11.2.
Variant type: single nucleotide variant.
Coding change: c.2905C>A on transcript NM_000256.3 (MANE Select); coding-DNA position 2905, C replaced by A.
Protein change: p.Gln969Lys; replaces glutamine 969 with lysine.
Molecular consequence: missense variant.
Genome position (GRCh38, 1-based): chr11:47,335,042, G>T on the plus strand (C>A on the coding strand, the complement: MYBPC3 is on the minus strand). VCF-style: chr11-47335042-G-T. GRCh37 (hg19) VCF-style: chr11-47356593-G-T.
Other names: short protein forms Q969K.
Identifiers: ClinVar variation 4756140 (VCV004756140.1).